The following is an entry in ClinVar:

ClinVar aggregate classification (germline): Uncertain significance (1 of 4 stars; one submission).

Conditions:
Joubert syndrome. Also called: CEREBELLOPARENCHYMAL DISORDER IV; JOUBERT-BOLTSHAUSER SYNDROME; Familial aplasia of the vermis. Identifiers: Orphanet 475, MedGen C5979921, MONDO:0018772.
Meckel-Gruber syndrome. Also called: DYSENCEPHALIA SPLANCHNOCYSTICA; GRUBER SYNDROME; Dysencephalia splachnocystica. Identifiers: Orphanet 564, MedGen C0265215, MONDO:0018921.

Submission:

Labcorp Genetics (formerly Invitae), Labcorp
Classification: Uncertain significance for Joubert syndrome; Meckel-Gruber syndrome. Last evaluated: 2025-04-14. Review status: criteria provided, single submitter. Criteria: Invitae Variant Classification Sherloc (09022015). Collection method: clinical testing. Allele origin: germline.
Comment: This sequence change replaces threonine, which is neutral and polar, with alanine, which is neutral and non-polar, at codon 53 of the TCTN2 protein (p.Thr53Ala). This variant is not present in population databases (gnomAD no frequency). This variant has not been reported in the literature in individuals affected with TCTN2-related conditions. ClinVar contains an entry for this variant (Variation ID: 3758132). Invitae Evidence Modeling of protein sequence and biophysical properties (such as structural, functional, and spatial information, amino acid conservation, physicochemical variation, residue mobility, and thermodynamic stability) indicates that this missense variant is not expected to disrupt TCTN2 protein function with a negative predictive value of 80%. In summary, the available evidence is currently insufficient to determine the role of this variant in disease. Therefore, it has been classified as a Variant of Uncertain Significance.

NM_024809.5(TCTN2):c.157A>G (p.Thr53Ala)

Gene: TCTN2 (tectonic family member 2; plus strand). Cytogenetic location: 12q24.31.
Variant type: single nucleotide variant.
Coding change: c.157A>G on transcript NM_024809.5 (MANE Select); coding-DNA position 157, A replaced by G.
Protein change: p.Thr53Ala; replaces threonine 53 with alanine.
Molecular consequence: missense variant.
Genome position (GRCh38, 1-based): chr12:123,671,581, A>G. VCF-style: chr12-123671581-A-G. GRCh37 (hg19) VCF-style: chr12-124156128-A-G.
Other names: c.157A>G, p.Thr53Ala (NM_001143850.3, NM_001410989.1); short protein forms T53A.
Identifiers: ClinVar variation 3758132 (VCV003758132.2).
Genomic context (GRCh38, chr12:123,671,581, plus strand): 5'-TTTATCCGAATGTCCGGCCCTGCGGTCAGCGCGTCCCTGGTCGGAGACACCGAGGGTGTG[A>G]CCGTGTCCCTGGCAGTGCTGCAGGACGAGGCGGGTAAAGTCCGGCCCTCTTTTGGGGAGG-3'
Protein context (NP_079085.2, residues 43-63): ASLVGDTEGV[Thr53Ala]VSLAVLQDEA